The following is an entry in ClinVar:

ClinVar aggregate classification (germline): Uncertain significance (1 of 4 stars; one submission).

Conditions:
Nemaline myopathy 8 (NEM8). Also called: Nemaline myopathy 8, autosomal recessive. Identifiers: Orphanet 171430, MedGen C3809209, MONDO:0014138, OMIM 615348.

Allele frequency attached by ClinVar (database versions not stated): gnomAD 0.00001; gnomAD exomes 0.00001; TOPMed 0.00001.

Submission:

Labcorp Genetics (formerly Invitae), Labcorp
Classification: Uncertain significance for Nemaline myopathy 8. Last evaluated: 2022-07-05. Review status: criteria provided, single submitter. Criteria: Invitae Variant Classification Sherloc (09022015). Collection method: clinical testing. Allele origin: germline.
Comment: In summary, the available evidence is currently insufficient to determine the role of this variant in disease. Therefore, it has been classified as a Variant of Uncertain Significance. Algorithms developed to predict the effect of missense changes on protein structure and function (SIFT, PolyPhen-2, Align-GVGD) all suggest that this variant is likely to be tolerated. ClinVar contains an entry for this variant (Variation ID: 953950). This variant has not been reported in the literature in individuals affected with KLHL40-related conditions. This variant is not present in population databases (gnomAD no frequency). This sequence change replaces proline, which is neutral and non-polar, with alanine, which is neutral and non-polar, at codon 242 of the KLHL40 protein (p.Pro242Ala).

NM_152393.4(KLHL40):c.724C>G (p.Pro242Ala)

Gene: KLHL40 (kelch like family member 40; plus strand). Cytogenetic location: 3p22.1.
Variant type: single nucleotide variant.
Coding change: c.724C>G on transcript NM_152393.4 (MANE Select); coding-DNA position 724, C replaced by G.
Protein change: p.Pro242Ala; replaces proline 242 with alanine.
Molecular consequence: missense variant.
Genome position (GRCh38, 1-based): chr3:42,686,342, C>G. VCF-style: chr3-42686342-C-G. GRCh37 (hg19) VCF-style: chr3-42727834-C-G.
Other names: short protein forms P242A.
Identifiers: ClinVar variation 953950 (VCV000953950.6), dbSNP rs1312120521, ClinGen allele CA352290620.
Genomic context (GRCh38, chr3:42,686,342, plus strand): 5'-GAGAGCGTGCGCTGCCGCTTGCTGCCGCGCGCCTTTCTGGAAAGCCGCGTGGAGCGCCAC[C>G]CTCTCGTGCGTGCCCAGCCCGAGTTGCTGCGCAAGGTGCAGATGGTGAAGGATGCACACG-3'
Protein context (NP_689606.2, residues 232-252): AFLESRVERH[Pro242Ala]LVRAQPELLR